The following is an entry in ClinVar:

NM_080817.5(GPR82):c.264C>T (p.Cys88=)

Genes: CASK (calcium/calmodulin dependent serine protein kinase; minus strand), GPR82 (G protein-coupled receptor 82; plus strand). Cytogenetic location: Xp11.4.
Variant type: single nucleotide variant.
Coding change: c.264C>T on transcript NM_080817.5 (MANE Select); coding-DNA position 264, C replaced by T.
Protein change: p.Cys88=; no amino-acid change (cysteine 88 retained).
Molecular consequence: synonymous variant. On other transcripts: intron variant (5).
Genome position (GRCh38, 1-based): chrX:41,727,290, C>T. VCF-style: chrX-41727290-C-T. GRCh37 (hg19) VCF-style: chrX-41586543-C-T.
Other names: c.429+12094G>A (NM_001126055.3, NM_001126054.3, NM_003688.4 and 2 more transcripts).
Identifiers: ClinVar variation 4084696 (VCV004084696.8).

ClinVar aggregate classification (germline): Likely benign (1 of 4 stars; one submission).

gnomAD v4.1: 3 of 1,209,320 alleles (0.00025%); highest among the groups gnomAD compares: Non-Finnish European, 0.00034%; no homozygotes.

Submission:

CeGaT Center for Human Genetics Tuebingen
Classification: Likely benign. Last evaluated: 2025-08-01. Review status: criteria provided, single submitter. Criteria: CeGaT Center For Human Genetics Tuebingen Variant Classification Criteria Version 2. Collection method: clinical testing. Allele origin: germline. Affected: yes. Observed: 1 variant allele.
Comment: GPR82: BP4, BP7